The following is an entry in ClinVar:

ClinVar aggregate classification (germline): Uncertain significance. Review status: criteria provided, multiple submitters, no conflicts (2 of 4 stars). 2 submissions from 2 submitters: Uncertain significance (2). Last evaluated 2023-12-12.

Conditions:
Emery-Dreifuss muscular dystrophy 5, autosomal dominant (EDMD5). Also called: EMERY-DREIFUSS MUSCULAR DYSTROPHY 5. Identifiers: Orphanet 261, MedGen C2751805, MONDO:0013072, OMIM 612999.

Allele frequency attached by ClinVar (database versions not stated): gnomAD 0.00001; gnomAD exomes 0.00001 and 0.00003; TOPMed 0.00001; ExAC 0.00004.
gnomAD v4.1: 12 of 1,613,848 alleles (0.00074%); highest among the groups gnomAD compares: East Asian, 0.027%; no homozygotes.

Submissions (2):

Ambry Genetics
Classification: Uncertain significance. Last evaluated: 2023-12-12. Review status: criteria provided, single submitter. Criteria: Ambry Variant Classification Scheme 2023. Collection method: clinical testing. Allele origin: germline.

Labcorp Genetics (formerly Invitae), Labcorp
Classification: Uncertain significance for Emery-Dreifuss muscular dystrophy 5, autosomal dominant. Last evaluated: 2023-03-09. Review status: criteria provided, single submitter. Criteria: Invitae Variant Classification Sherloc (09022015). Collection method: clinical testing. Allele origin: germline.
Comment: An algorithm developed to predict the effect of missense changes on protein structure and function (PolyPhen-2) suggests that this variant is likely to be tolerated. In summary, the available evidence is currently insufficient to determine the role of this variant in disease. Therefore, it has been classified as a Variant of Uncertain Significance. ClinVar contains an entry for this variant (Variation ID: 1417373). This variant has not been reported in the literature in individuals affected with SYNE2-related conditions. This variant is present in population databases (rs765556164, gnomAD 0.05%), and has an allele count higher than expected for a pathogenic variant. This sequence change replaces leucine, which is neutral and non-polar, with valine, which is neutral and non-polar, at codon 1241 of the SYNE2 protein (p.Leu1241Val).

NM_182914.3(SYNE2):c.3721C>G (p.Leu1241Val)

Gene: SYNE2 (spectrin repeat containing nuclear envelope protein 2; plus strand). Cytogenetic location: 14q23.2.
Variant type: single nucleotide variant.
Coding change: c.3721C>G on transcript NM_182914.3 (MANE Select); coding-DNA position 3721, C replaced by G.
Protein change: p.Leu1241Val; replaces leucine 1241 with valine.
Molecular consequence: missense variant.
Genome position (GRCh38, 1-based): chr14:64,002,016, C>G. VCF-style: chr14-64002016-C-G. GRCh37 (hg19) VCF-style: chr14-64468734-C-G.
Other names: c.3721C>G, p.Leu1241Val (NM_015180.6); c.3721C>G (NM_182914.2); short protein forms L1241V.
Identifiers: ClinVar variation 1417373 (VCV001417373.7), dbSNP rs765556164, ClinGen allele CA7220044.